The following is an entry in ClinVar:

NM_018972.4(GDAP1):c.706C>T (p.Gln236Ter)

Gene: GDAP1 (ganglioside induced differentiation associated protein 1; plus strand). Cytogenetic location: 8q21.11.
Variant type: single nucleotide variant.
Coding change: c.706C>T on transcript NM_018972.4 (MANE Select); coding-DNA position 706, C replaced by T.
Protein change: p.Gln236Ter; replaces glutamine 236 with a stop codon.
Molecular consequence: nonsense. On other transcripts: intron variant (1).
Genome position (GRCh38, 1-based): chr8:74,363,996, C>T. VCF-style: chr8-74363996-C-T. GRCh37 (hg19) VCF-style: chr8-75276231-C-T.
Other names: c.502C>T, p.Gln168Ter (NM_001040875.4); c.379C>T, p.Gln127Ter (NM_001362929.2, NM_001362932.2); c.532C>T, p.Gln178Ter (NM_001362930.2); c.694+943C>T (NM_001362931.2); short protein forms Q127*, Q168*, Q178*, Q236*.
Identifiers: ClinVar variation 5018627 (VCV005018627.2).

ClinVar aggregate classification (germline): Uncertain significance (1 of 4 stars; one submission).

Conditions:
Charcot-Marie-Tooth disease axonal type 2K (CMT2K). Also called: Charcot-Marie-Tooth disease type 2K; CHARCOT-MARIE-TOOTH DISEASE, AXONAL, AUTOSOMAL RECESSIVE, TYPE 2K; CHARCOT-MARIE-TOOTH NEUROPATHY, AXONAL, TYPE 2K. Identifiers: Orphanet 101097, Orphanet 99944, MedGen C1842983, MONDO:0011916, OMIM 607831.
Charcot-Marie-Tooth disease type 4A. Also called: Charcot-Marie-Tooth disease, demyelinating, autosomal recessive, type 4a. Identifiers: Orphanet 99948, MedGen C1859198, MONDO:0008961, OMIM 214400.
Charcot-Marie-Tooth disease, axonal, with vocal cord paresis, autosomal recessive. Also called: CHARCOT-MARIE-TOOTH DISEASE, TYPE 4A, AXONAL FORM; CHARCOT-MARIE-TOOTH NEUROPATHY, AXONAL, WITH VOCAL CORD PARESIS, AUTOSOMAL RECESSIVE; CMT2 WITH VOCAL CORD PARESIS, AUTOSOMAL RECESSIVE. Identifiers: Orphanet 101097, MedGen C1843183, MONDO:0011898, OMIM 607706.
Charcot-Marie-Tooth disease recessive intermediate A (CMTRIA). Also called: CHARCOT-MARIE-TOOTH NEUROPATHY, RECESSIVE INTERMEDIATE A. Identifiers: Orphanet 217055, MedGen C1842197, MONDO:0012014, OMIM 608340.

Submission:

Juno Genomics, Hangzhou Juno Genomics, Inc
Classification: Uncertain significance for Charcot-Marie-Tooth disease axonal type 2K; Charcot-Marie-Tooth disease, axonal, with vocal cord paresis, autosomal recessive; Charcot-Marie-Tooth disease recessive intermediate A; Charcot-Marie-Tooth disease type 4A. Review status: criteria provided, single submitter. Criteria: ACMG Guidelines, 2015. Collection method: clinical testing. Allele origin: germline.
Comment: Absent from controls (or at extremely low frequency if recessive) in Genome Aggregation Database.;Null variant in a gene where loss of function (LOF) is a known mechanism of disease.